The following is an entry in ClinVar:

ClinVar aggregate classification (germline): Pathogenic (1 of 4 stars; one submission).

Conditions:
Dyskeratosis congenita, autosomal recessive 5 (DKCB5). Identifiers: MedGen C3554656, MONDO:0014076, OMIM 615190.
Pulmonary fibrosis and/or bone marrow failure, Telomere-related, 3. Also called: PULMONARY FIBROSIS AND/OR BONE MARROW FAILURE SYNDROME, TELOMERE-RELATED, 3. Identifiers: Orphanet 2032, MedGen C4225346, MONDO:0014613, OMIM 616373.

Submission:

Labcorp Genetics (formerly Invitae), Labcorp
Classification: Pathogenic for Dyskeratosis congenita, autosomal recessive 5; Pulmonary fibrosis and/or bone marrow failure, Telomere-related, 3. Last evaluated: 2022-11-23. Review status: criteria provided, single submitter. Criteria: Invitae Variant Classification Sherloc (09022015). Collection method: clinical testing. Allele origin: germline.
Comment: For these reasons, this variant has been classified as Pathogenic. Algorithms developed to predict the effect of sequence changes on RNA splicing suggest that this variant may disrupt the consensus splice site. This variant has not been reported in the literature in individuals affected with RTEL1-related conditions. This variant is not present in population databases (gnomAD no frequency). This sequence change creates a premature translational stop signal (p.Val734Cysfs*66) in the RTEL1 gene. It is expected to result in an absent or disrupted protein product. Loss-of-function variants in RTEL1 are known to be pathogenic (PMID: 23453664, 23959892, 25607374).

Literature cited by the submitters: PubMed 23453664; PubMed 23959892; PubMed 25607374.

NM_001283009.2(RTEL1):c.2200del (p.Val734fs)

Genes: RTEL1 (regulator of telomere elongation helicase 1; plus strand), RTEL1-TNFRSF6B (RTEL1-TNFRSF6B readthrough (NMD candidate); plus strand). Cytogenetic location: 20q13.33.
Variant type: Deletion.
Coding change: c.2200del on transcript NM_001283009.2 (MANE Select); coding-DNA position 2200, one base deleted (G; older notation c.2200delG).
Protein change: p.Val734fs; shifts the reading frame from valine 734.
Molecular consequence: frameshift variant. On other transcripts: non-coding transcript variant (1).
Genome position (GRCh38, 1-based): chr20:63,690,145, G deleted; the last of 3 consecutive G bases (chr20:63,690,143-63,690,145); deleting any one gives the same sequence. VCF-style (leftmost placement, unchanged base first): chr20-63690142-AG-A. GRCh37 (hg19) VCF-style: chr20-62321495-AG-A.
Other names: c.1531del, p.Val511fs (NM_001283010.1); c.2200del, p.Val734fs (NM_016434.4); c.2272del, p.Val758fs (NM_032957.5); short protein forms V511fs, V758fs, V734fs.
Identifiers: ClinVar variation 2941742 (VCV002941742.3), dbSNP rs2517138765, ClinGen allele CA2740094670.
Genomic context (GRCh38, chr20:63,690,142, plus strand): 5'-CCCAGGTTCGCCTTTGCCGACGCAAGAGCCCAACTGCCCTCCTGGGTGCGTCCCCACGTC[AG>A]GGTGTATGACAACTTTGGCCATGTCATCCGAGACGTGGCCCAGTTCTTCCGTGTTGCCGA-3'